The following is an entry in ClinVar:

ClinVar aggregate classification (germline): Uncertain significance (1 of 4 stars; one submission).

Conditions:
Saethre-Chotzen syndrome (SCS). Also called: ACROCEPHALY, SKULL ASYMMETRY, AND MILD SYNDACTYLY; ACS III; CHOTZEN SYNDROME. Identifiers: Orphanet 794, MedGen C0175699, MONDO:0007042, OMIM 101400.
TWIST1-related craniosynostosis (CRS1). Also called: CRANIOSYNOSTOSIS 1. Identifiers: Orphanet 63440, MedGen C4551902, MONDO:0007399, OMIM 123100. Inheritance: Heterogenous inheritance pattern.

Allele frequency attached by ClinVar (database versions not stated): ExAC below 0.00001; gnomAD 0.00001 and 0.00003; gnomAD exomes 0.00001; TOPMed 0.00004; 1000 Genomes Project 30x 0.00016; 1000 Genomes Project 0.00020.
gnomAD v4.1: 38 of 1,457,786 alleles (0.0026%); highest among the groups gnomAD compares: East Asian, 0.11%; no homozygotes.

Submission:

Labcorp Genetics (formerly Invitae), Labcorp
Classification: Uncertain significance for TWIST1-related craniosynostosis; Saethre-Chotzen syndrome. Last evaluated: 2018-01-22. Review status: criteria provided, single submitter. Criteria: Invitae Variant Classification Sherloc (09022015). Collection method: clinical testing. Allele origin: germline.
Comment: In summary, the available evidence is currently insufficient to determine the role of this variant in disease. Therefore, it has been classified as a Variant of Uncertain Significance. This variant has not been reported in the literature in individuals with TWIST1-related disease. The frequency data for this variant in the population databases is considered unreliable, as metrics indicate poor data quality at this position in the ExAC database. This sequence change replaces proline with alanine at codon 24 of the TWIST1 protein (p.Pro24Ala). The proline residue is moderately conserved and there is a small physicochemical difference between proline and alanine.

NM_000474.4(TWIST1):c.70C>G (p.Pro24Ala)

Gene: TWIST1 (twist family bHLH transcription factor 1; minus strand). Cytogenetic location: 7p21.1.
Variant type: single nucleotide variant.
Coding change: c.70C>G on transcript NM_000474.4 (MANE Select); coding-DNA position 70, C replaced by G.
Protein change: p.Pro24Ala; replaces proline 24 with alanine.
Molecular consequence: missense variant. On other transcripts: non-coding transcript variant (1).
Genome position (GRCh38, 1-based): chr7:19,117,252, G>C on the plus strand (C>G on the coding strand, the complement: TWIST1 is on the minus strand). VCF-style: chr7-19117252-G-C. GRCh37 (hg19) VCF-style: chr7-19156875-G-C.
Other names: short protein forms P24A.
Identifiers: ClinVar variation 574126 (VCV000574126.9), dbSNP rs559821440, ClinGen allele CA4174539.